The following is an entry in ClinVar:

ClinVar aggregate classification (germline): Conflicting classifications of pathogenicity. Review status: criteria provided, conflicting classifications (1 of 4 stars). 7 submissions from 7 submitters: Pathogenic (3); Likely pathogenic (2); Uncertain significance (2). Last evaluated 2026-03-31.

Conditions:
TPO-related disorder. Also called: TPO-related condition.
Congenital hypothyroidism. Identifiers: Orphanet 442, MedGen C0010308, MONDO:0018612, HP:0000851.
Deficiency of iodide peroxidase (TDH2A). Also called: THYROID HORMONOGENESIS, GENETIC DEFECT IN, 2A; THYROID PEROXIDASE DEFICIENCY; HYPOTHYROIDISM, CONGENITAL, DUE TO DYSHORMONOGENESIS, 2A; IODIDE PEROXIDASE DEFICIENCY; Thyroid dyshormonogenesis 2A. Identifiers: Orphanet 95716, MedGen C1291299, MONDO:0010133, OMIM 274500.

Allele frequency attached by ClinVar (database versions not stated): gnomAD 0.00008; TOPMed 0.00013; gnomAD exomes 0.00004 and 0.00009; ExAC 0.00005; 1000 Genomes Project 30x 0.00016; 1000 Genomes Project 0.00020.
gnomAD v4.1: 143 of 1,614,046 alleles (0.0089%); highest among the groups gnomAD compares: Admixed American, 0.023%; no homozygotes.

Submissions (7):

PreventionGenetics, part of Exact Sciences
Classification: Likely pathogenic for TPO-related condition. Last evaluated: 2026-03-31. Review status: criteria provided, single submitter. Criteria: ACMG Guidelines, 2015. Collection method: clinical testing. Allele origin: germline.
Comment: The TPO c.1472G>A variant is predicted to result in the amino acid substitution p.Arg491His. This variant has been reported in the homozygous and compound heterozygous states in multiple individuals with congenital hypothyroidism (see for example: Ambrugger et al. 2001. PubMed ID: 11415848; Deeb et al. 2016. PubMed ID: 27060741; Nicholas et al. 2016. PubMed ID: 27525530; Mellone et al. 2022. PubMed ID: 36035117). It has also been reported in the compound heterozygous state in an individual with a more complex phenotype that included hypothyroidism (Belanger Deloge et al. 2022. PubMed ID: 36474027). This variant is reported in 0.014% of alleles in individuals of Latino descent in gnomAD. This variant is interpreted as likely pathogenic.

GeneDx
Classification: Pathogenic. Last evaluated: 2025-12-23. Review status: criteria provided, single submitter. Criteria: GeneDx Variant Classification Process June 2021. Collection method: clinical testing. Allele origin: germline. Affected: yes.
Comment: In silico analysis supports that this missense variant has a deleterious effect on protein structure/function; This variant is associated with the following publications: (PMID: 27525530, 27060741, 11415848, 36135330, 36035117, 36474027)

Fulgent Genetics
Classification: Pathogenic for Deficiency of iodide peroxidase. Last evaluated: 2024-06-17. Review status: criteria provided, single submitter. Criteria: ACMG Guidelines, 2015. Collection method: clinical testing. Allele origin: germline.

Cambridge Genomics Laboratory, East Genomic Laboratory Hub, NHS Genomic Medicine Service
Classification: Likely pathogenic for Congenital hypothyroidism. Last evaluated: 2024-02-07. Review status: criteria provided, single submitter. Criteria: ACGS Best Practice Guidelines for Variant Classification in Rare Disease 2020. Collection method: clinical testing. Allele origin: germline. Affected: yes.
Comment: The p.Arg491His variant is observed in 5/34.590 (0.0145%) alleles from individuals of gnomAD Latino background in gnomAD All. The p.Arg491His variant is observed in 1/5.008 (0.02%) alleles from individuals of 1kG All background in 1kG All. (PM2 - Moderate) | The p.Arg491His missense variant is predicted to be damaging by both SIFT and PolyPhen2. The arginine residue at codon 491 of TPO is conserved in all mammalian species. The nucleotide c.1472 in TPO is predicted conserved by GERP++ and PhyloP across 100 vertebrates. (PP3 - Supporting) | The variant is observed in trans (in a compound heterozygous state) with another pathogenic variant. (PM3 - Moderate)

Daryl Scott Lab, Baylor College of Medicine
Classification: Uncertain significance for Deficiency of iodide peroxidase. Last evaluated: 2022-02-01. Review status: criteria provided, single submitter. Criteria: ACMG Guidelines, 2015. Collection method: clinical testing. Allele origin: de novo. Affected: yes. Observed: 1 variant allele, 1 compound heterozygote.

Genomic Diagnostic Laboratory, Division of Genomic Diagnostics, Children's Hospital of Philadelphia
Classification: Uncertain significance. Last evaluated: 2015-10-31. Review status: criteria provided, single submitter. Criteria: DGD Variant Analysis Guidelines. Collection method: clinical testing. Allele origin: unknown.

Clinical Genetics Service, Universitary Hospital 12 de Octubre
Classification: Pathogenic for Deficiency of iodide peroxidase. Review status: criteria provided, single submitter. Criteria: ACMG Guidelines, 2015. Collection method: clinical testing. Allele origin: paternal. Affected: yes.

Literature cited by the submitters: PubMed 36474027 (cited by Daryl Scott Lab, Baylor College of Medicine).

NM_001206744.2(TPO):c.1472G>A (p.Arg491His)

Gene: TPO (thyroid peroxidase; plus strand). Cytogenetic location: 2p25.3.
Variant type: single nucleotide variant.
Coding change: c.1472G>A on transcript NM_001206744.2 (MANE Select); coding-DNA position 1472, G replaced by A.
Protein change: p.Arg491His; replaces arginine 491 with histidine.
Molecular consequence: missense variant.
Genome position (GRCh38, 1-based): chr2:1,484,729, G>A. VCF-style: chr2-1484729-G-A. GRCh37 (hg19) VCF-style: chr2-1488501-G-A.
Other names: c.1472G>A, p.Arg491His (NM_000547.6, NM_001206745.2, NM_175719.4 and 1 more transcripts); c.953G>A, p.Arg318His (NM_175722.3); short protein forms R491H, R318H.
Identifiers: ClinVar variation 252491 (VCV000252491.12), dbSNP rs201165648, ClinGen allele CA1511735.